The following is an entry in ClinVar:

ClinVar aggregate classification (germline): Uncertain significance. Review status: criteria provided, multiple submitters, no conflicts (2 of 4 stars). 3 submissions from 3 submitters: Uncertain significance (2). 1 of the submissions does not count toward it. Last evaluated 2024-02-19.

Conditions:
ABCA1-related disorder. Also called: ABCA1-related disorders; ABCA1-related condition. Identifiers: MedGen CN239173.
Hypoalphalipoproteinemia, primary, 1. Identifiers: Orphanet 425, MedGen C5231558, MONDO:0011393, OMIM 604091.

Allele frequency attached by ClinVar (database versions not stated): TOPMed 0.00001.
gnomAD v4.1: 13 of 1,613,922 alleles (0.00081%); highest among the groups gnomAD compares: Non-Finnish European, 0.0011%; no homozygotes.

Submissions (3):

Illumina Laboratory Services, Illumina
Classification: Uncertain significance for ABCA1-related disorder. Last evaluated: 2024-02-19. Review status: criteria provided, single submitter. Criteria: ISL SNV Classification Criteria 03 February 2026. Collection method: clinical testing. Allele origin: unknown.
Comment: ACMG criteria applied: PS4_Supporting, PM2_Supporting, PP3_Supporting

GeneDx
Classification: Uncertain significance. Last evaluated: 2022-12-28. Review status: criteria provided, single submitter. Criteria: GeneDx Variant Classification Process June 2021. Collection method: clinical testing. Allele origin: germline. Affected: yes.
Comment: Reported in patients with HDL cholesterol deficiency and Tangier disease in published literature (Ho Hong et al., 2002; Fasano et al., 2012); Not observed at significant frequency in large population cohorts (gnomAD); In silico analysis supports that this missense variant has a deleterious effect on protein structure/function; This variant is associated with the following publications: (PMID: 22959828, 12009425)

OMIM
Classification: Pathogenic for HIGH DENSITY LIPOPROTEIN DEFICIENCY. Last evaluated: 2002-05-21. Review status: no assertion criteria provided. Collection method: literature only. Allele origin: germline. Not counted in ClinVar's aggregate classification.

Literature cited by the submitters: PubMed 12009425 (cited by OMIM).

NM_005502.4(ABCA1):c.3295G>T (p.Asp1099Tyr)

Gene: ABCA1 (ATP binding cassette subfamily A member 1; minus strand). Cytogenetic location: 9q31.1.
Variant type: single nucleotide variant.
Coding change: c.3295G>T on transcript NM_005502.4 (MANE Select); coding-DNA position 3295, G replaced by T.
Protein change: p.Asp1099Tyr; replaces aspartic acid 1099 with tyrosine.
Molecular consequence: missense variant.
Genome position (GRCh38, 1-based): chr9:104,818,830, C>A on the plus strand (G>T on the coding strand, the complement: ABCA1 is on the minus strand). VCF-style: chr9-104818830-C-A. GRCh37 (hg19) VCF-style: chr9-107581111-C-A.
Other names: c.3295G>T (NM_005502.3); short protein forms D1099Y.
Identifiers: ClinVar variation 9501 (VCV000009501.3), dbSNP rs28933692, ClinGen allele CA120489.